The following is an entry in ClinVar:

ClinVar aggregate classification (germline): Pathogenic. Review status: criteria provided, single submitter (1 of 4 stars). 2 submissions from 2 submitters: Pathogenic (1). 1 of the submissions does not count toward it. Last evaluated 2026-09-24.

Conditions:
Cardiac malformation, cleft lip/palate, microcephaly, and digital anomalies. Also called: CLEFT PALATE, CARDIAC DEFECTS, AND IMPAIRED INTELLECTUAL DEVELOPMENT. Identifiers: MedGen C1832950, MONDO:0010970, OMIM 600987.

Submissions (2):

GeneDx
Classification: Pathogenic. Last evaluated: 2026-09-24. Review status: criteria provided, single submitter. Criteria: GeneDx Variant Classification Process June 2021. Collection method: clinical testing. Allele origin: germline.
Comment: Not observed at significant frequency in large population cohorts (gnomAD); In silico analysis supports that this missense variant has a deleterious effect on protein structure/function; This variant is associated with the following publications: (PMID: 39776641, 39252126, 30055086, 33057194, 35982159)

OMIM
Classification: Pathogenic for CLEFT PALATE, CARDIAC DEFECTS, AND IMPAIRED INTELLECTUAL DEVELOPMENT. Last evaluated: 2022-12-19. Review status: no assertion criteria provided. Collection method: literature only. Allele origin: germline. Not counted in ClinVar's aggregate classification.

Literature cited by the submitters: PubMed 30055086 (cited by OMIM).

NM_170675.5(MEIS2):c.905C>T (p.Pro302Leu)

Gene: MEIS2 (Meis homeobox 2; minus strand). Cytogenetic location: 15q14.
Variant type: single nucleotide variant.
Coding change: c.905C>T on transcript NM_170675.5 (MANE Select); coding-DNA position 905, C replaced by T.
Protein change: p.Pro302Leu; replaces proline 302 with leucine.
Molecular consequence: missense variant.
Genome position (GRCh38, 1-based): chr15:36,950,396, G>A on the plus strand (C>T on the coding strand, the complement: MEIS2 is on the minus strand). VCF-style: chr15-36950396-G-A. GRCh37 (hg19) VCF-style: chr15-37242597-G-A.
Other names: c.905C>T, p.Pro302Leu (NM_001220482.2, NM_170674.5, NM_170676.5 and 1 more transcripts); c.866C>T, p.Pro289Leu (NM_002399.4, NM_172315.3); c.641C>T, p.Pro214Leu (NM_172316.3); short protein forms P289L, P302L, P214L.
Identifiers: ClinVar variation 418712 (VCV000418712.6), dbSNP rs1064793383, ClinGen allele CA16619921.